The following is an entry in ClinVar:

NM_001273.5(CHD4):c.5529C>T (p.Asn1843=)

Genes: CHD4 (chromodomain helicase DNA binding protein 4; minus strand), CHD4-AS1 (CHD4 antisense RNA 1; plus strand). Cytogenetic location: 12p13.31.
Variant type: single nucleotide variant.
Coding change: c.5529C>T on transcript NM_001273.5 (MANE Select); coding-DNA position 5529, C replaced by T.
Protein change: p.Asn1843=; no amino-acid change (asparagine 1843 retained).
Molecular consequence: synonymous variant.
Genome position (GRCh38, 1-based): chr12:6,573,102, G>A on the plus strand (C>T on the coding strand, the complement: CHD4 is on the minus strand). VCF-style: chr12-6573102-G-A. GRCh37 (hg19) VCF-style: chr12-6682268-G-A.
Other names: c.5508C>T, p.Asn1836= (NM_001297553.2); c.5496C>T, p.Asn1832= (NM_001363606.2).
Identifiers: ClinVar variation 764762 (VCV000764762.34), dbSNP rs201751048, ClinGen allele CA6411204.
Genomic context (GRCh38, chr12:6,573,102, plus strand): 5'-AATCGGCAGGAGGCAGGGGAGCCACTGGCTACCTTTGTGCAGGACTGCATTGGCTGGCTT[G>A]TTTCCTGCCATTGACTCCTTGGACAGGTGCTGATGACTTTCCGCCAAACACTCCACCTCA-3'
Protein context (NP_001264.2, residues 1833-1853): QHLSKESMAG[Asn1843=]KPANAVLHKV

ClinVar aggregate classification (germline): Benign/Likely benign. Review status: criteria provided, multiple submitters, no conflicts (2 of 4 stars). 3 submissions from 3 submitters: Benign (1); Likely benign (2). Last evaluated 2026-01-01.

Conditions:
Sifrim-Hitz-Weiss syndrome (SIHIWES). Also called: CHD4 Neurodevelopmental Disorder; SIFRIM-HITZ-WEISS MULTIPLE CONGENITAL ANOMALIES-MENTAL RETARDATION SYNDROME. Identifiers: Orphanet 653712, MedGen C4310688, MONDO:0014946, OMIM 617159.

Allele frequency attached by ClinVar (database versions not stated): ESP Exome Variant Server 0.00015; gnomAD 0.00026 and 0.00054; TOPMed 0.00032; gnomAD exomes 0.00082 and 0.00135; 1000 Genomes Project 0.00140; 1000 Genomes Project 30x 0.00141; ExAC 0.00158.
gnomAD v4.1: 1,257 of 1,610,158 alleles (0.078%); highest among the groups gnomAD compares: South Asian, 0.98%; 21 homozygotes.

Submissions (3):

CeGaT Center for Human Genetics Tuebingen
Classification: Likely benign. Last evaluated: 2026-01-01. Review status: criteria provided, single submitter. Criteria: CeGaT Center For Human Genetics Tuebingen Variant Classification Criteria Version 2. Collection method: clinical testing. Allele origin: germline. Affected: yes. Observed: 2 variant alleles.
Comment: CHD4: BP4, BP7, BS2

Labcorp Genetics (formerly Invitae), Labcorp
Classification: Benign. Last evaluated: 2025-06-10. Review status: criteria provided, single submitter. Criteria: Invitae Variant Classification Sherloc (09022015). Collection method: clinical testing. Allele origin: germline.

Fulgent Genetics
Classification: Likely benign for Sifrim-Hitz-Weiss syndrome. Last evaluated: 2021-07-19. Review status: criteria provided, single submitter. Criteria: ACMG Guidelines, 2015. Collection method: clinical testing. Allele origin: unknown.